The following is an entry in ClinVar:

NM_001618.4(PARP1):c.562G>A (p.Ala188Thr)

Gene: PARP1 (poly(ADP-ribose) polymerase 1; minus strand). Cytogenetic location: 1q42.12.
Variant type: single nucleotide variant.
Coding change: c.562G>A on transcript NM_001618.4 (MANE Select); coding-DNA position 562, G replaced by A.
Protein change: p.Ala188Thr; replaces alanine 188 with threonine.
Molecular consequence: missense variant.
Genome position (GRCh38, 1-based): chr1:226,390,465, C>T on the plus strand (G>A on the coding strand, the complement: PARP1 is on the minus strand). VCF-style: chr1-226390465-C-T. GRCh37 (hg19) VCF-style: chr1-226578166-C-T.
Other names: short protein forms A188T.
Identifiers: ClinVar variation 775674 (VCV000775674.5), dbSNP rs1805409, ClinGen allele CA1423109.

ClinVar aggregate classification (germline): Benign. Review status: criteria provided, single submitter (1 of 4 stars). 2 submissions from 2 submitters: Benign (1). 1 of the submissions does not count toward it. Last evaluated 2018-04-16.

Conditions:
PARP1-related disorder. Also called: PARP1-related condition.

Allele frequency attached by ClinVar (database versions not stated): gnomAD exomes 0.00044 and 0.00109; ExAC 0.00141; gnomAD 0.00383 and 0.00409; TOPMed 0.00455; ESP Exome Variant Server 0.00492; 1000 Genomes Project 30x 0.00656; 1000 Genomes Project 0.00759.
gnomAD v4.1: 1,280 of 1,614,172 alleles (0.079%); highest among the groups gnomAD compares: African/African-American, 1.4%; 8 homozygotes.

Submissions (2):

Labcorp Genetics (formerly Invitae), Labcorp
Classification: Benign. Last evaluated: 2018-04-16. Review status: criteria provided, single submitter. Criteria: Invitae Variant Classification Sherloc (09022015). Collection method: clinical testing. Allele origin: germline.

PreventionGenetics, part of Exact Sciences
Classification: Benign for PARP1-related condition. Last evaluated: 2019-07-18. Review status: no assertion criteria provided. Collection method: clinical testing. Allele origin: germline. Not counted in ClinVar's aggregate classification.
Comment: This variant is classified as benign based on ACMG/AMP sequence variant interpretation guidelines (Richards et al. 2015 PMID: 25741868, with internal and published modifications).